The following is an entry in ClinVar:

NM_004370.6(COL12A1):c.4035G>A (p.Met1345Ile)

Gene: COL12A1 (collagen type XII alpha 1 chain; minus strand). Cytogenetic location: 6q13.
Variant type: single nucleotide variant.
Coding change: c.4035G>A on transcript NM_004370.6 (MANE Select); coding-DNA position 4035, G replaced by A.
Protein change: p.Met1345Ile; replaces methionine 1345 with isoleucine.
Molecular consequence: missense variant.
Genome position (GRCh38, 1-based): chr6:75,151,253, C>T on the plus strand (G>A on the coding strand, the complement: COL12A1 is on the minus strand). VCF-style: chr6-75151253-C-T. GRCh37 (hg19) VCF-style: chr6-75860969-C-T.
Other names: c.4035G>A, p.Met1345Ile (NM_001424113.1, NM_001424114.1); c.3762G>A, p.Met1254Ile (NM_001424115.1); c.543G>A, p.Met181Ile (NM_001424116.1, NM_080645.3); short protein forms M1254I, M1345I, M181I.
Identifiers: ClinVar variation 2946273 (VCV002946273.3), dbSNP rs1407472044, ClinGen allele CA364747255.

ClinVar aggregate classification (germline): Uncertain significance (1 of 4 stars; one submission).

Conditions:
Ullrich congenital muscular dystrophy 2 (UCMD2). Identifiers: Orphanet 75840, MedGen C4225314, MONDO:0014654, OMIM 616470.
Bethlem myopathy 2 (BTHLM2). Identifiers: Orphanet 536516, Orphanet 610, MedGen C4225313, MONDO:0034022, OMIM 616471.

Allele frequency attached by ClinVar (database versions not stated): gnomAD 0.00002.

Submission:

Labcorp Genetics (formerly Invitae), Labcorp
Classification: Uncertain significance for Bethlem myopathy 2; Ullrich congenital muscular dystrophy 2. Last evaluated: 2024-02-05. Review status: criteria provided, single submitter. Criteria: Invitae Variant Classification Sherloc (09022015). Collection method: clinical testing. Allele origin: germline.
Comment: This sequence change replaces methionine, which is neutral and non-polar, with isoleucine, which is neutral and non-polar, at codon 1345 of the COL12A1 protein (p.Met1345Ile). This variant is present in population databases (no rsID available, gnomAD 0.03%). This variant has not been reported in the literature in individuals affected with COL12A1-related conditions. Advanced modeling of protein sequence and biophysical properties (such as structural, functional, and spatial information, amino acid conservation, physicochemical variation, residue mobility, and thermodynamic stability) performed at Invitae indicates that this missense variant is not expected to disrupt COL12A1 protein function with a negative predictive value of 80%. In summary, the available evidence is currently insufficient to determine the role of this variant in disease. Therefore, it has been classified as a Variant of Uncertain Significance.